The following is an entry in ClinVar:

NM_002645.4(PIK3C2A):c.667A>G (p.Met223Val)

Gene: PIK3C2A (phosphatidylinositol-4-phosphate 3-kinase catalytic subunit type 2 alpha; minus strand). Cytogenetic location: 11p15.1.
Variant type: single nucleotide variant.
Coding change: c.667A>G on transcript NM_002645.4 (MANE Select); coding-DNA position 667, A replaced by G.
Protein change: p.Met223Val; replaces methionine 223 with valine.
Molecular consequence: missense variant. On other transcripts: intron variant (1).
Genome position (GRCh38, 1-based): chr11:17,169,075, T>C on the plus strand (A>G on the coding strand, the complement: PIK3C2A is on the minus strand). VCF-style: chr11-17169075-T-C. GRCh37 (hg19) VCF-style: chr11-17190622-T-C.
Other names: c.667A>G, p.Met223Val (NM_001321378.2, NM_001386870.1); c.-75-13446A>G (NM_001321380.2); short protein forms M223V.
Identifiers: ClinVar variation 4567910 (VCV004567910.2).
Genomic context (GRCh38, chr11:17,169,075, plus strand): 5'-TTGCTTTCCCATTTTTTAAAAATTCTGATGTACTAGCTATTTTGTCAAATAGTTTTGCCA[T>C]GTCAGTACTGACTACTGGACGATAGATAGGTAAGCTTCCTTGTGGATGAAAGGGTGTGGC-3'
Protein context (NP_002636.2, residues 213-233): PIYRPVVSTD[Met223Val]AKLFDKIAST

ClinVar aggregate classification (germline): Uncertain significance. Review status: criteria provided, multiple submitters, no conflicts (2 of 4 stars). 2 submissions from 2 submitters: Uncertain significance (2). Last evaluated 2025-11-20.

gnomAD v4.1: 3 of 1,614,226 alleles (0.00019%); highest among the groups gnomAD compares: Admixed American, 0.0017%; no homozygotes.

Submissions (2):

Ambry Genetics
Classification: Uncertain significance. Last evaluated: 2025-11-20. Review status: criteria provided, single submitter. Criteria: Ambry Variant Classification Scheme 2023. Collection method: clinical testing. Allele origin: germline.

Labcorp Genetics (formerly Invitae), Labcorp
Classification: Uncertain significance. Last evaluated: 2025-07-30. Review status: criteria provided, single submitter. Criteria: Invitae Variant Classification Sherloc (09022015). Collection method: clinical testing. Allele origin: germline.
Comment: This sequence change replaces methionine, which is neutral and non-polar, with valine, which is neutral and non-polar, at codon 223 of the PIK3C2A protein (p.Met223Val). This variant is present in population databases (no rsID available, gnomAD 0.003%). This variant has not been reported in the literature in individuals affected with PIK3C2A-related conditions. An algorithm developed to predict the effect of missense changes on protein structure and function (PolyPhen-2) suggests that this variant is likely to be tolerated. In summary, the available evidence is currently insufficient to determine the role of this variant in disease. Therefore, it has been classified as a Variant of Uncertain Significance.